The following is an entry in ClinVar:

ClinVar aggregate classification (germline): Likely benign. Review status: criteria provided, multiple submitters, no conflicts (2 of 4 stars). 2 submissions from 2 submitters: Likely benign (2). Last evaluated 2024-10-10.

Conditions:
SEC24D-related disorder. Also called: SEC24D-related condition.

Allele frequency attached by ClinVar (database versions not stated): gnomAD 0.00007; gnomAD exomes 0.00010; 1000 Genomes Project 30x 0.00016; 1000 Genomes Project 0.00020; ExAC 0.00033.
gnomAD v4.1: 157 of 1,570,130 alleles (0.01%); highest among the groups gnomAD compares: South Asian, 0.18%; 1 homozygote.

Submissions (2):

PreventionGenetics, part of Exact Sciences
Classification: Likely benign for SEC24D-related condition. Last evaluated: 2024-10-10. Review status: criteria provided, single submitter. Criteria: ACMG Guidelines, 2015. Collection method: clinical testing. Allele origin: germline.
Comment: This variant is classified as likely benign based on ACMG/AMP sequence variant interpretation guidelines (Richards et al. 2015 PMID: 25741868, with internal and published modifications).

Labcorp Genetics (formerly Invitae), Labcorp
Classification: Likely benign. Last evaluated: 2023-10-07. Review status: criteria provided, single submitter. Criteria: Invitae Variant Classification Sherloc (09022015). Collection method: clinical testing. Allele origin: germline.

NM_014822.4(SEC24D):c.1841A>T (p.Gln614Leu)

Gene: SEC24D (SEC24 homolog D, COPII component; minus strand). Cytogenetic location: 4q26.
Variant type: single nucleotide variant.
Coding change: c.1841A>T on transcript NM_014822.4 (MANE Select); coding-DNA position 1841, A replaced by T.
Protein change: p.Gln614Leu; replaces glutamine 614 with leucine.
Molecular consequence: missense variant.
Genome position (GRCh38, 1-based): chr4:118,744,142, T>A on the plus strand (A>T on the coding strand, the complement: SEC24D is on the minus strand). VCF-style: chr4-118744142-T-A. GRCh37 (hg19) VCF-style: chr4-119665297-T-A.
Other names: c.1844A>T, p.Gln615Leu (NM_001318066.2); c.1841A>T (NM_014822.3); short protein forms Q614L, Q615L.
Identifiers: ClinVar variation 2962297 (VCV002962297.4), dbSNP rs572876070, ClinGen allele CA3057130.
Genomic context (GRCh38, chr4:118,744,142, plus strand): 5'-AGTGTCACAGAGCAGCCGTGAGCCACGCAGTCCTTGGCCAATGAGTCATAGACATTTGTT[T>A]GGGGCTGGAAAAGTATCTGGAAAAAAGATGCAAAAAAAAAGAAAAAATAAAAATTACAAA-3'
Protein context (NP_055637.2, residues 604-624): TDKEKILFQP[Gln614Leu]TNVYDSLAKD